The following is an entry in ClinVar:

NM_000170.3(GLDC):c.961G>C (p.Gly321Arg)

Gene: GLDC (glycine decarboxylase; minus strand). Cytogenetic location: 9p24.1.
Variant type: single nucleotide variant.
Coding change: c.961G>C on transcript NM_000170.3 (MANE Select); coding-DNA position 961, G replaced by C.
Protein change: p.Gly321Arg; replaces glycine 321 with arginine.
Molecular consequence: missense variant.
Genome position (GRCh38, 1-based): chr9:6,604,685, C>G on the plus strand (G>C on the coding strand, the complement: GLDC is on the minus strand). VCF-style: chr9-6604685-C-G. GRCh37 (hg19) VCF-style: chr9-6604685-C-G.
Other names: short protein forms G321R.
Identifiers: ClinVar variation 848348 (VCV000848348.10), dbSNP rs1184125501, ClinGen allele CA372895642.

ClinVar aggregate classification (germline): Uncertain significance (1 of 4 stars; one submission).

Conditions:
Glycine encephalopathy. Also called: Nonketotic hyperglycinemia; Non-ketotic hyperglycinemia. Identifiers: Orphanet 407, MedGen C0751748, MONDO:0011612, HP:0008288.

Submission:

Labcorp Genetics (formerly Invitae), Labcorp
Classification: Uncertain significance for Glycine encephalopathy. Last evaluated: 2019-02-18. Review status: criteria provided, single submitter. Criteria: Invitae Variant Classification Sherloc (09022015). Collection method: clinical testing. Allele origin: germline.
Comment: In summary, the available evidence is currently insufficient to determine the role of this variant in disease. Therefore, it has been classified as a Variant of Uncertain Significance. Algorithms developed to predict the effect of missense changes on protein structure and function are either unavailable or do not agree on the potential impact of this missense change (SIFT: "Deleterious"; PolyPhen-2: "Probably Damaging"; Align-GVGD: "Class C0"). In at least one individual the data is consistent with the variant being in trans (on the opposite chromosome) from a pathogenic variant. This variant is not present in population databases (ExAC no frequency). This sequence change replaces glycine with arginine at codon 321 of the GLDC protein (p.Gly321Arg). The glycine residue is highly conserved and there is a moderate physicochemical difference between glycine and arginine.